The following is an entry in ClinVar:

ClinVar aggregate classification (germline): Uncertain significance (1 of 4 stars; one submission).

Submission:

Labcorp Genetics (formerly Invitae), Labcorp
Classification: Uncertain significance. Last evaluated: 2026-01-05. Review status: criteria provided, single submitter. Criteria: Invitae Variant Classification Sherloc (09022015). Collection method: clinical testing. Allele origin: germline.
Comment: This sequence change replaces glutamine, which is neutral and polar, with leucine, which is neutral and non-polar, at codon 269 of the TRPM1 protein (p.Gln269Leu). This variant is not present in population databases (gnomAD no frequency). This variant has not been reported in the literature in individuals affected with TRPM1-related conditions. ClinVar contains an entry for this variant (Variation ID: 2850739). Invitae Evidence Modeling of protein sequence and biophysical properties (such as structural, functional, and spatial information, amino acid conservation, physicochemical variation, residue mobility, and thermodynamic stability) indicates that this missense variant is not expected to disrupt TRPM1 protein function with a negative predictive value of 95%. In summary, the available evidence is currently insufficient to determine the role of this variant in disease. Therefore, it has been classified as a Variant of Uncertain Significance.

NM_001252024.2(TRPM1):c.872A>T (p.Gln291Leu)

Gene: TRPM1 (transient receptor potential cation channel subfamily M member 1; minus strand). Cytogenetic location: 15q13.3.
Variant type: single nucleotide variant.
Coding change: c.872A>T on transcript NM_001252024.2 (MANE Select); coding-DNA position 872, A replaced by T.
Protein change: p.Gln291Leu; replaces glutamine 291 with leucine.
Molecular consequence: missense variant.
Genome position (GRCh38, 1-based): chr15:31,063,211, T>A on the plus strand (A>T on the coding strand, the complement: TRPM1 is on the minus strand). VCF-style: chr15-31063211-T-A. GRCh37 (hg19) VCF-style: chr15-31355414-T-A.
Other names: c.923A>T, p.Gln308Leu (NM_001252020.2); c.806A>T, p.Gln269Leu (NM_002420.6); short protein forms Q308L, Q269L, Q291L.
Identifiers: ClinVar variation 2850739 (VCV002850739.3), dbSNP rs2504198330, ClinGen allele CA391528846.
Genomic context (GRCh38, chr15:31,063,211, plus strand): 5'-AGGATGTCCGAGGCACGTCCGCTGCCATCACAAATCACCACAGGGATGGGAGGCTCTTCT[T>A]GCAGGTATTCCAAGACGATGGACACCACGTTAGGGCCCCCCTCCACCACGAGACCCACGA-3'
Protein context (NP_001238953.1, residues 281-301): NVVSIVLEYL[Gln291Leu]EEPPIPVVIC